The following is an entry in ClinVar:

ClinVar aggregate classification (germline): Pathogenic (1 of 4 stars; one submission).

Conditions:
Transcobalamin II deficiency (TCN2D). Also called: Transcolabamin II deficiency; TC II DEFICIENCY; TCN2 DEFICIENCY. Identifiers: Orphanet 859, MedGen C0342701, MONDO:0010149, OMIM 275350.

Submission:

Labcorp Genetics (formerly Invitae), Labcorp
Classification: Pathogenic for Transcobalamin II deficiency. Last evaluated: 2023-06-23. Review status: criteria provided, single submitter. Criteria: Invitae Variant Classification Sherloc (09022015). Collection method: clinical testing. Allele origin: germline.
Comment: For these reasons, this variant has been classified as Pathogenic. This variant has not been reported in the literature in individuals affected with TCN2-related conditions. This variant is not present in population databases (gnomAD no frequency). This sequence change creates a premature translational stop signal (p.Tyr108*) in the TCN2 gene. It is expected to result in an absent or disrupted protein product. Loss-of-function variants in TCN2 are known to be pathogenic (PMID: 7980584, 20352340).

Literature cited by the submitters: PubMed 7980584; PubMed 20352340.

NM_000355.4(TCN2):c.324C>A (p.Tyr108Ter)

Gene: TCN2 (transcobalamin 2; plus strand). Cytogenetic location: 22q12.2.
Variant type: single nucleotide variant.
Coding change: c.324C>A on transcript NM_000355.4 (MANE Select); coding-DNA position 324, C replaced by A.
Protein change: p.Tyr108Ter; replaces tyrosine 108 with a stop codon.
Molecular consequence: nonsense.
Genome position (GRCh38, 1-based): chr22:30,612,939, C>A. VCF-style: chr22-30612939-C-A. GRCh37 (hg19) VCF-style: chr22-31008926-C-A.
Other names: c.324C>A, p.Tyr108Ter (NM_001184726.2); short protein forms Y108*.
Identifiers: ClinVar variation 2725209 (VCV002725209.3), dbSNP rs779779694, ClinGen allele CA411208493.